The following is an entry in ClinVar:

NM_001042492.3(NF1):c.1661A>T (p.Gln554Leu)

Gene: NF1 (neurofibromin 1; plus strand). Cytogenetic location: 17q11.2.
Variant type: single nucleotide variant.
Coding change: c.1661A>T on transcript NM_001042492.3 (MANE Select); coding-DNA position 1661, A replaced by T.
Protein change: p.Gln554Leu; replaces glutamine 554 with leucine.
Molecular consequence: missense variant.
Genome position (GRCh38, 1-based): chr17:31,221,869, A>T. VCF-style: chr17-31221869-A-T. GRCh37 (hg19) VCF-style: chr17-29548887-A-T.
Other names: c.1661A>T, p.Gln554Leu (NM_000267.4, NM_001128147.3); short protein forms Q554L.
Identifiers: ClinVar variation 3238418 (VCV003238418.1), dbSNP rs863224656.
Genomic context (GRCh38, chr17:31,221,869, plus strand): 5'-GTGAGTCTTCTCTTTGTCTTTCTCTTTTTTAAAAAATTCAGGCTCTGCTGGTTCTTCATC[A>T]GTTAGATAGCATTGATTTGTGGAATCCTGATGCTCCTGTAGAAACATTTTGGGAGATTAG-3'
Protein context (NP_001035957.1, residues 544-564): EAMEALLVLH[Gln554Leu]LDSIDLWNPD

ClinVar aggregate classification (germline): Uncertain significance (1 of 4 stars; one submission).

Conditions:
Hereditary cancer-predisposing syndrome. Also called: Neoplastic Syndromes, Hereditary; Tumor predisposition; Hereditary neoplastic syndrome; Hereditary Cancer Syndrome. Identifiers: Orphanet 140162, MedGen C0027672, MeSH D009386, MONDO:0015356.
Cardiovascular phenotype. Identifiers: MedGen CN230736.

Submission:

Ambry Genetics
Classification: Uncertain significance for Cardiovascular phenotype; Hereditary cancer-predisposing syndrome. Last evaluated: 2023-12-01. Review status: criteria provided, single submitter. Criteria: Ambry Variant Classification Scheme 2023. Collection method: clinical testing. Allele origin: germline.
Comment: The p.Q554L variant (also known as c.1661A>T), located in coding exon 15 of the NF1 gene, results from an A to T substitution at nucleotide position 1661. The glutamine at codon 554 is replaced by leucine, an amino acid with dissimilar properties. This amino acid position is conserved. In addition, the in silico prediction for this alteration is inconclusive. Since supporting evidence is limited at this time, the clinical significance of this alteration remains unclear.